The following is an entry in ClinVar:

NM_152564.5(VPS13B):c.3492_3493dup (p.Thr1165fs)

Gene: VPS13B (vacuolar protein sorting 13 homolog B; plus strand). Cytogenetic location: 8q22.2.
Variant type: Microsatellite.
Coding change: c.3492_3493dup on transcript NM_152564.5 (MANE Select); coding-DNA positions 3492 to 3493, 2 bases duplicated (TA; older notation c.3492_3493dupTA).
Protein change: p.Thr1165fs; shifts the reading frame from threonine 1165.
Molecular consequence: frameshift variant.
Genome position (GRCh38, 1-based): chr8:99,467,460-99,467,461, TA duplicated; duplicating any 2 consecutive bases within chr8:99,467,455-99,467,461 gives the same sequence; the c. name uses the placement nearest the transcript's 3' end. VCF-style (leftmost placement, unchanged base first): chr8-99467454-C-CAT. GRCh37 (hg19) VCF-style: chr8-100479682-C-CAT.
Other names: c.3492_3493dup, p.Thr1165fs (NM_017890.5); short protein forms T1165fs.
Identifiers: ClinVar variation 1074483 (VCV001074483.7), dbSNP rs2133510772, ClinGen allele CA2580617204.

ClinVar aggregate classification (germline): Pathogenic (1 of 4 stars; one submission).

Conditions:
Cohen syndrome (COH1). Also called: PEPPER SYNDROME; Cutis verticis gyrata, retinitis pigmentosa, and sensorineural deafness. Identifiers: Orphanet 193, MedGen C0265223, MONDO:0008999, OMIM 216550.

Submission:

Labcorp Genetics (formerly Invitae), Labcorp
Classification: Pathogenic for Cohen syndrome. Last evaluated: 2022-08-09. Review status: criteria provided, single submitter. Criteria: Invitae Variant Classification Sherloc (09022015). Collection method: clinical testing. Allele origin: germline.
Comment: This sequence change creates a premature translational stop signal (p.Thr1165Ilefs*8) in the VPS13B gene. It is expected to result in an absent or disrupted protein product. Loss-of-function variants in VPS13B are known to be pathogenic (PMID: 15141358, 16648375, 20461111). This variant is not present in population databases (gnomAD no frequency). This variant has not been reported in the literature in individuals affected with VPS13B-related conditions. For these reasons, this variant has been classified as Pathogenic.

Literature cited by the submitters: PubMed 15141358; PubMed 16648375; PubMed 20461111.